The following is an entry in ClinVar:

ClinVar aggregate classification (germline): Uncertain significance (1 of 4 stars; one submission).

Conditions:
Hereditary sensory and autonomic neuropathy type 6. Also called: Neuropathy, hereditary sensory and autonomic, type VI; HSAN VI. Identifiers: Orphanet 314381, MedGen C3539003, MONDO:0013839, OMIM 614653.
Epidermolysis bullosa simplex 3, localized or generalized intermediate, with BP230 deficiency (EBS3). Also called: Epidermolysis bullosa simplex due to BP230 deficiency; Epidermolysis bullosa simplex, autosomal recessive 2. Identifiers: Orphanet 412181, MedGen C3809470, MONDO:0014180, OMIM 615425.

Allele frequency attached by ClinVar (database versions not stated): gnomAD exomes below 0.00001; TOPMed 0.00001.
gnomAD v4.1: 1 of 1,592,378 alleles (0.000063%); highest among the groups gnomAD compares: Middle Eastern, 0.017%; no homozygotes.

Submission:

Labcorp Genetics (formerly Invitae), Labcorp
Classification: Uncertain significance for Epidermolysis bullosa simplex 3, localized or generalized intermediate, with BP230 deficiency; Hereditary sensory and autonomic neuropathy type 6. Last evaluated: 2024-10-15. Review status: criteria provided, single submitter. Criteria: Invitae Variant Classification Sherloc (09022015). Collection method: clinical testing. Allele origin: germline.
Comment: The DST gene has multiple clinically relevant transcripts. This variant occurs in alternate transcript NM_015548.4, and corresponds to NM_001723.5:c.*16832A>G in the primary transcript. This sequence change replaces serine, which is neutral and polar, with glycine, which is neutral and non-polar, at codon 1284 of the DST protein (p.Ser1284Gly). This variant is present in population databases (no rsID available, gnomAD no frequency). This variant has not been reported in the literature in individuals affected with DST-related conditions. Experimental studies and prediction algorithms are not available or were not evaluated, and the functional significance of this variant is currently unknown. In summary, the available evidence is currently insufficient to determine the role of this variant in disease. Therefore, it has been classified as a Variant of Uncertain Significance.

NM_001374736.1(DST):c.11719A>G (p.Ser3907Gly)

Gene: DST (dystonin; minus strand). Cytogenetic location: 6p12.1.
Variant type: single nucleotide variant.
Coding change: c.11719A>G on transcript NM_001374736.1 (MANE Select); coding-DNA position 11719, A replaced by G.
Protein change: p.Ser3907Gly; replaces serine 3907 with glycine.
Molecular consequence: missense variant.
Genome position (GRCh38, 1-based): chr6:56,598,685, T>C on the plus strand (A>G on the coding strand, the complement: DST is on the minus strand). VCF-style: chr6-56598685-T-C. GRCh37 (hg19) VCF-style: chr6-56463483-T-C.
Other names: c.5362A>G, p.Ser1788Gly (NM_001144769.5); c.4948A>G, p.Ser1650Gly (NM_001144770.2); c.11719A>G, p.Ser3907Gly (NM_001374722.1); c.11086A>G, p.Ser3696Gly (NM_001374729.1); c.4828A>G, p.Ser1610Gly (NM_001374730.1, NM_001386100.1, NM_183380.4); c.11746A>G, p.Ser3916Gly (NM_001374734.1); c.3850A>G, p.Ser1284Gly (NM_015548.5); short protein forms S1610G, S1650G, S3916G, S1788G, S3696G, S1284G, S3907G.
Identifiers: ClinVar variation 1508576 (VCV001508576.6), dbSNP rs1189798226, ClinGen allele CA364529368.